The following is an entry in ClinVar:

ClinVar aggregate classification (germline): Pathogenic (1 of 4 stars; one submission).

Conditions:
Cohen syndrome (COH1). Also called: PEPPER SYNDROME; Cutis verticis gyrata, retinitis pigmentosa, and sensorineural deafness. Identifiers: Orphanet 193, MedGen C0265223, MONDO:0008999, OMIM 216550.

Submission:

Labcorp Genetics (formerly Invitae), Labcorp
Classification: Pathogenic for Cohen syndrome. Last evaluated: 2022-11-21. Review status: criteria provided, single submitter. Criteria: Invitae Variant Classification Sherloc (09022015). Collection method: clinical testing. Allele origin: germline.
Comment: For these reasons, this variant has been classified as Pathogenic. Algorithms developed to predict the effect of sequence changes on RNA splicing suggest that this variant may create or strengthen a splice site. ClinVar contains an entry for this variant (Variation ID: 1072023). This variant has not been reported in the literature in individuals affected with VPS13B-related conditions. This variant is not present in population databases (gnomAD no frequency). This sequence change creates a premature translational stop signal (p.Tyr3136*) in the VPS13B gene. It is expected to result in an absent or disrupted protein product. Loss-of-function variants in VPS13B are known to be pathogenic (PMID: 15141358, 16648375, 20461111).

Literature cited by the submitters: PubMed 15141358; PubMed 16648375; PubMed 20461111.

NM_152564.5(VPS13B):c.9333T>G (p.Tyr3111Ter)

Gene: VPS13B (vacuolar protein sorting 13 homolog B; plus strand). Cytogenetic location: 8q22.2.
Variant type: single nucleotide variant.
Coding change: c.9333T>G on transcript NM_152564.5 (MANE Select); coding-DNA position 9333, T replaced by G.
Protein change: p.Tyr3111Ter; replaces tyrosine 3111 with a stop codon.
Molecular consequence: nonsense.
Genome position (GRCh38, 1-based): chr8:99,832,371, T>G. VCF-style: chr8-99832371-T-G. GRCh37 (hg19) VCF-style: chr8-100844599-T-G.
Other names: c.9408T>G, p.Tyr3136Ter (NM_017890.5); short protein forms Y3111*, Y3136*.
Identifiers: ClinVar variation 1072023 (VCV001072023.7), dbSNP rs1563497733, ClinGen allele CA371781042.